The following is an entry in ClinVar:

NM_016562.4(TLR7):c.3056C>T (p.Pro1019Leu)

Gene: TLR7 (toll like receptor 7; plus strand). Cytogenetic location: Xp22.2.
Variant type: single nucleotide variant.
Coding change: c.3056C>T on transcript NM_016562.4 (MANE Select); coding-DNA position 3056, C replaced by T.
Protein change: p.Pro1019Leu; replaces proline 1019 with leucine.
Molecular consequence: missense variant.
Genome position (GRCh38, 1-based): chrX:12,888,564, C>T. VCF-style: chrX-12888564-C-T. GRCh37 (hg19) VCF-style: chrX-12906683-C-T.
Other names: short protein forms P1019L.
Identifiers: ClinVar variation 2870976 (VCV002870976.2), dbSNP rs138079334, ClinGen allele CA10350127.

ClinVar aggregate classification (germline): Uncertain significance (1 of 4 stars; one submission).

Allele frequency attached by ClinVar (database versions not stated): ExAC 0.00001; ESP Exome Variant Server 0.00009; 1000 Genomes Project 30x 0.00042; TOPMed 0.00001; gnomAD 0.00002; gnomAD exomes 0.00003; 1000 Genomes Project 0.00026.
gnomAD v4.1: 37 of 1,209,665 alleles (0.0031%); highest among the groups gnomAD compares: Non-Finnish European, 0.0036%; no homozygotes.

Submission:

Labcorp Genetics (formerly Invitae), Labcorp
Classification: Uncertain significance. Last evaluated: 2025-09-14. Review status: criteria provided, single submitter. Criteria: Invitae Variant Classification Sherloc (09022015). Collection method: clinical testing. Allele origin: germline.
Comment: This sequence change replaces proline, which is neutral and non-polar, with leucine, which is neutral and non-polar, at codon 1019 of the TLR7 protein (p.Pro1019Leu). This variant is present in population databases (rs138079334, gnomAD 0.005%). This variant has not been reported in the literature in individuals affected with TLR7-related conditions. ClinVar contains an entry for this variant (Variation ID: 2870976). An algorithm developed to predict the effect of missense changes on protein structure and function (PolyPhen-2) suggests that this variant is likely to be disruptive. In summary, the available evidence is currently insufficient to determine the role of this variant in disease. Therefore, it has been classified as a Variant of Uncertain Significance.